The following is an entry in ClinVar:

ClinVar aggregate classification (germline): Conflicting classifications of pathogenicity. Review status: criteria provided, conflicting classifications (1 of 4 stars). 2 submissions from 2 submitters: Likely pathogenic (1); Uncertain significance (1). Last evaluated 2025-12-26.

Conditions:
Inborn genetic diseases. Identifiers: MedGen C0950123, MeSH D030342.

Allele frequency attached by ClinVar (database versions not stated): TOPMed below 0.00001; gnomAD exomes below 0.00001; gnomAD 0.00001.
gnomAD v4.1: 2 of 1,205,998 alleles (0.00017%); highest among the groups gnomAD compares: Admixed American, 0.0044%; no homozygotes.

Submissions (2):

GeneDx
Classification: Likely pathogenic. Last evaluated: 2025-12-26. Review status: criteria provided, single submitter. Criteria: GeneDx Variant Classification Process June 2021. Collection method: clinical testing. Allele origin: germline. Affected: yes.
Comment: In silico analysis supports that this missense variant has a deleterious effect on protein structure/function; Not observed at significant frequency in large population cohorts (gnomAD); Has not been previously published as pathogenic or benign to our knowledge

Ambry Genetics
Classification: Uncertain significance for Inborn genetic diseases. Last evaluated: 2024-01-08. Review status: criteria provided, single submitter. Criteria: Ambry Variant Classification Scheme 2023. Collection method: clinical testing. Allele origin: germline.
Comment: The c.11201G>A (p.R3734Q) alteration is located in exon 72 (coding exon 69) of the HUWE1 gene. This alteration results from a G to A substitution at nucleotide position 11201, causing the arginine (R) at amino acid position 3734 to be replaced by a glutamine (Q). This variant was not reported in population-based cohorts in the Genome Aggregation Database (gnomAD). This amino acid position is highly conserved in available vertebrate species. This missense alteration is located in a region that has a low rate of benign missense variation (Lek, 2016; Firth, 2009). This alteration is predicted to be tolerated by in silico analysis. Based on insufficient or conflicting evidence, the clinical significance of this alteration remains unclear.

NM_031407.7(HUWE1):c.11201G>A (p.Arg3734Gln)

Gene: HUWE1 (HECT, UBA and WWE domain containing E3 ubiquitin protein ligase 1; minus strand). Cytogenetic location: Xp11.22.
Variant type: single nucleotide variant.
Coding change: c.11201G>A on transcript NM_031407.7 (MANE Select); coding-DNA position 11201, G replaced by A.
Protein change: p.Arg3734Gln; replaces arginine 3734 with glutamine.
Molecular consequence: missense variant.
Genome position (GRCh38, 1-based): chrX:53,544,610, C>T on the plus strand (G>A on the coding strand, the complement: HUWE1 is on the minus strand). VCF-style: chrX-53544610-C-T. GRCh37 (hg19) VCF-style: chrX-53571571-C-T.
Other names: short protein forms R3734Q.
Identifiers: ClinVar variation 2579296 (VCV002579296.3), dbSNP rs1253152691, ClinGen allele CA413165663.
Genomic context (GRCh38, chrX:53,544,610, plus strand): 5'-AGTTCCATACCTAGCCTGCCTGTCTGCTTGGCTTTCTTGTTAGCCCGGCGCGTGTCGTCC[C>T]GGAGCTGGATGATGACCTGTAGTACCCTCAAGAAGAACTTCTGGGTAGATGTCTTGGATG-3'
Protein context (NP_113584.3, residues 3724-3744): LRVLQVIIQL[Arg3734Gln]DDTRRANKKA